The following is an entry in ClinVar:

ClinVar aggregate classification (germline): Pathogenic (1 of 4 stars; one submission).

Conditions:
Mucopolysaccharidosis, MPS-II (MPS2). Also called: Hunter Syndrome; IDURONATE 2-SULFATASE DEFICIENCY; Mucopolysaccharidosis Type II; Mucopolysaccharidosis type 2; Attenuated MPS (subtype; formerly known as mild MPS II); Severe MPS II. Identifiers: Orphanet 580, Orphanet 79388, MedGen C0026705, MONDO:0010674, OMIM 309900.

Submission:

Laboratory of Diagnosis and Therapy of Lysosomal Disorders, University of Padova
Classification: Pathogenic for Mucopolysaccharidosis, MPS-II. Last evaluated: 2024-06-07. Review status: criteria provided, single submitter. Criteria: ACMG Guidelines, 2015. Collection method: literature only. Allele origin: germline. Affected: yes. Observed: 1 variant allele.
Comment: Null variant (PVS1_VeryStrong), Absent from controls (or at low frequency) in gnomAD database (PM2_Moderate), Patient’s phenotype or family history highly specific for the disease (PP4_Strong)

Classification method: ACMG Guidelines [PMID:25741868] with modifications

Literature cited by the submitters: PubMed 9762601.

NM_000202.8(IDS):c.1A>T (p.Met1Leu)

Genes: IDS (iduronate 2-sulfatase; minus strand), LOC130068781 (ATAC-STARR-seq lymphoblastoid active region 30015; plus strand). Cytogenetic location: Xq28.
Variant type: single nucleotide variant.
Coding change: c.1A>T on transcript NM_000202.8 (MANE Select); coding-DNA position 1, A replaced by T.
Protein change: p.Met1Leu; changes the start codon (methionine 1).
Molecular consequence: missense variant, initiator codon variant. On other transcripts: 5 prime UTR variant (1), non-coding transcript variant (1).
Genome position (GRCh38, 1-based): chrX:149,505,137, T>A on the plus strand (A>T on the coding strand, the complement: IDS is on the minus strand). VCF-style: chrX-149505137-T-A. GRCh37 (hg19) VCF-style: chrX-148586667-T-A.
Other names: c.-226A>T (NM_001166550.4); c.1A>T, p.Met1Leu (NM_006123.5); short protein forms M1L.
Identifiers: ClinVar variation 3255619 (VCV003255619.2).